The following is an entry in ClinVar:

ClinVar aggregate classification (germline): Pathogenic (1 of 4 stars; one submission).

Submission:

Labcorp Genetics (formerly Invitae), Labcorp
Classification: Pathogenic. Last evaluated: 2025-07-30. Review status: criteria provided, single submitter. Criteria: Invitae Variant Classification Sherloc (09022015). Collection method: clinical testing. Allele origin: germline.
Comment: This sequence change creates a premature translational stop signal (p.Ala926Leufs*43) in the AARS2 gene. While this is not anticipated to result in nonsense mediated decay, it is expected to disrupt the last 60 amino acid(s) of the AARS2 protein. This variant is present in population databases (no rsID available, gnomAD 0.0009%). This variant has not been reported in the literature in individuals affected with AARS2-related conditions. This variant disrupts a region of the AARS2 protein in which other variant(s) (p.Arg958*) have been determined to be pathogenic (PMID: 29440775). This suggests that this is a clinically significant region of the protein, and that variants that disrupt it are likely to be disease-causing. For these reasons, this variant has been classified as Pathogenic.

Literature cited by the submitters: PubMed 29440775.

NM_020745.4(AARS2):c.2775_2776del (p.Ala926fs)

Gene: AARS2 (alanyl-tRNA synthetase 2, mitochondrial; minus strand). Cytogenetic location: 6p21.1.
Variant type: Microsatellite.
Coding change: c.2775_2776del on transcript NM_020745.4 (MANE Select); coding-DNA positions 2775 to 2776, 2 bases deleted (TG; older notation c.2775_2776delTG).
Protein change: p.Ala926fs; shifts the reading frame from alanine 926.
Molecular consequence: frameshift variant.
Genome position (GRCh38, 1-based): chr6:44,301,173-44,301,174, CA deleted on the plus strand (TG on the coding strand, the reverse complement: AARS2 is on the minus strand); deleting any 2 consecutive bases within chr6:44,301,173-44,301,178 gives the same sequence; the c. name uses the placement nearest the transcript's 3' end. VCF-style (leftmost placement, unchanged base first): chr6-44301172-GCA-G. GRCh37 (hg19) VCF-style: chr6-44268909-GCA-G.
Other names: short protein forms A926fs.
Identifiers: ClinVar variation 4797595 (VCV004797595.1).
Genomic context (GRCh38, chr6:44,301,172, plus strand): 5'-TGGGTATTAATGGGGGCGGTGGGCTGCTCTCCCACTTCCCTCACCTGGGCCACCTGACAG[GCA>G]CACAGCACCTTCCCCATGGGCTGGGGGCTGAGTAGGAGCACAGACGTGCTGGGGGCCTGC-3'